The following is an entry in ClinVar:

ClinVar aggregate classification (germline): Uncertain significance. Review status: criteria provided, multiple submitters, no conflicts (2 of 4 stars). 2 submissions from 2 submitters: Uncertain significance (2). Last evaluated 2026-03-23.

gnomAD v4.1: 14 of 1,574,428 alleles (0.00089%); highest among the groups gnomAD compares: South Asian, 0.01%; no homozygotes.

Submissions (2):

Women's Health and Genetics/Laboratory Corporation of America, LabCorp
Classification: Uncertain significance. Last evaluated: 2026-03-23. Review status: criteria provided, single submitter. Criteria: LabCorp Variant Classification Summary - May 2015. Collection method: clinical testing. Allele origin: germline.
Comment: Variant summary: ADAMTS2 c.1915G>A (p.Ala639Thr) results in a non-conservative amino acid change located in the cysteine-rich domain 3 (IPR045371) of the encoded protein sequence. Algorithms developed to predict the effect of missense changes on protein structure and function are either unavailable or do not agree on the potential impact of this missense change. The variant allele was found at a frequency of 1.6e-05 in 192470 control chromosomes. The available data on variant occurrences in the general population are insufficient to allow any conclusion about variant significance. To our knowledge, no occurrence of c.1915G>A in individuals affected with ADAMTS2-related conditions and no experimental evidence demonstrating its impact on protein function have been reported. ClinVar contains an entry for this variant (Variation ID: 3379627). Based on the evidence outlined above, the variant was classified as uncertain significance.

Mayo Clinic Laboratories, Mayo Clinic
Classification: Uncertain significance. Last evaluated: 2024-09-25. Review status: criteria provided, single submitter. Criteria: ACMG Guidelines, 2015. Collection method: clinical testing. Allele origin: germline. Observed: 1 variant allele.
Comment: BP4, PM2

NM_014244.5(ADAMTS2):c.1915G>A (p.Ala639Thr)

Gene: ADAMTS2 (ADAM metallopeptidase with thrombospondin type 1 motif 2; minus strand). Cytogenetic location: 5q35.3.
Variant type: single nucleotide variant.
Coding change: c.1915G>A on transcript NM_014244.5 (MANE Select); coding-DNA position 1915, G replaced by A.
Protein change: p.Ala639Thr; replaces alanine 639 with threonine.
Molecular consequence: missense variant.
Genome position (GRCh38, 1-based): chr5:179,137,805, C>T on the plus strand (G>A on the coding strand, the complement: ADAMTS2 is on the minus strand). VCF-style: chr5-179137805-C-T. GRCh37 (hg19) VCF-style: chr5-178564806-C-T.
Other names: p.Ala639Thr; short protein forms A639T.
Identifiers: ClinVar variation 3379627 (VCV003379627.3).
Genomic context (GRCh38, chr5:179,137,805, plus strand): 5'-CTGATGCCTCCCAGAAGGGCTCACCATCCCGGTGCTCGTGGGGCAGCCAGTGGTGCTGGG[C>T]GTCGCCGTGCTCGAAGTACAGGTCCCACTGGCGGCACTGCTCCTCGCGGAAGTCAGCCAG-3'
Protein context (NP_055059.2, residues 629-649): QWDLYFEHGD[Ala639Thr]QHHWLPHEHR